The following is an entry in ClinVar:

ClinVar aggregate classification (germline): Likely benign. Review status: criteria provided, multiple submitters, no conflicts (2 of 4 stars). 2 submissions from 2 submitters: Likely benign (2). Last evaluated 2025-12-29.

Conditions:
Immunodeficiency 14 (IMD14A). Also called: IMMUNODEFICIENCY 14A WITH LYMPHOPROLIFERATION, AUTOSOMAL DOMINANT; ACTIVATED PI3K-DELTA SYNDROME 1; Activated PI3K Delta Syndrome Type 1 (APDS1); p110-DELTA-ACTIVATING MUTATION CAUSING SENESCENT T CELLS, LYMPHADENOPATHY, AND IMMUNODEFICIENCY. Identifiers: Orphanet 397596, Orphanet 693661, MedGen C5907821, MONDO:0014222, OMIM 615513.

Allele frequency attached by ClinVar (database versions not stated): gnomAD exomes 0.00003; ESP Exome Variant Server 0.00015; 1000 Genomes Project 30x 0.00016; gnomAD 0.00016; 1000 Genomes Project 0.00020; TOPMed 0.00020.
gnomAD v4.1: 65 of 1,613,972 alleles (0.004%); highest among the groups gnomAD compares: African/African-American, 0.052%; no homozygotes.

Submissions (2):

Labcorp Genetics (formerly Invitae), Labcorp
Classification: Likely benign for Activated PI3K-delta syndrome. Last evaluated: 2025-12-29. Review status: criteria provided, single submitter. Criteria: Invitae Variant Classification Sherloc (09022015). Collection method: clinical testing. Allele origin: germline.

CeGaT Center for Human Genetics Tuebingen
Classification: Likely benign. Last evaluated: 2024-01-01. Review status: criteria provided, single submitter. Criteria: CeGaT Center For Human Genetics Tuebingen Variant Classification Criteria Version 2. Collection method: clinical testing. Allele origin: germline. Affected: yes. Observed: 1 variant allele.
Comment: PIK3CD: BP4, BP7

NM_005026.5(PIK3CD):c.897G>A (p.Pro299=)

Gene: PIK3CD (phosphatidylinositol-4,5-bisphosphate 3-kinase catalytic subunit delta; plus strand). Cytogenetic location: 1p36.22.
Variant type: single nucleotide variant.
Coding change: c.897G>A on transcript NM_005026.5 (MANE Select); coding-DNA position 897, G replaced by A.
Protein change: p.Pro299=; no amino-acid change (proline 299 retained).
Molecular consequence: synonymous variant.
Genome position (GRCh38, 1-based): chr1:9,717,075, G>A. VCF-style: chr1-9717075-G-A. GRCh37 (hg19) VCF-style: chr1-9777133-G-A.
Other names: c.897G>A, p.Pro299= (NM_001350234.2); c.810G>A, p.Pro270= (NM_001350235.1).
Identifiers: ClinVar variation 738183 (VCV000738183.33), dbSNP rs149279787, ClinGen allele CA577008.